The following is an entry in ClinVar:

NM_170707.4(LMNA):c.241dup (p.Tyr81fs)

Gene: LMNA (lamin A/C; plus strand). Cytogenetic location: 1q22.
Variant type: Duplication.
Coding change: c.241dup on transcript NM_170707.4 (MANE Select); coding-DNA position 241, one base duplicated (T; older notation c.241dupT).
Protein change: p.Tyr81fs; shifts the reading frame from tyrosine 81.
Molecular consequence: frameshift variant. On other transcripts: 5 prime UTR variant (8), intron variant (2).
Genome position (GRCh38, 1-based): chr1:156,115,159, T duplicated. VCF-style (leftmost placement, unchanged base first): chr1-156115158-C-CT. GRCh37 (hg19) VCF-style: chr1-156084949-C-CT.
Other names: c.-604dup (NM_001406999.1); c.-424dup (NM_001407000.1, NM_001406994.1); c.-267dup (NM_001407001.1); c.-161dup (NM_001407002.1, NM_001406990.1, NM_001406995.1); c.241dup, p.Tyr81fs (NM_005572.4, NM_170708.4, NM_001282625.2 and 6 more transcripts); c.-203+8336dup (NM_001406993.1, NM_001407003.1); c.-183dup (NM_001406986.1); short protein forms Y81fs.
Identifiers: ClinVar variation 2862373 (VCV002862373.3), dbSNP rs2527833201, ClinGen allele CA2739275332.

ClinVar aggregate classification (germline): Pathogenic (1 of 4 stars; one submission).

Conditions:
Charcot-Marie-Tooth disease type 2. Also called: Charcot-Marie-Tooth type 2. Identifiers: Orphanet 64746, MedGen C0270914, MONDO:0018993.

Submission:

Labcorp Genetics (formerly Invitae), Labcorp
Classification: Pathogenic for Charcot-Marie-Tooth disease type 2. Last evaluated: 2023-05-06. Review status: criteria provided, single submitter. Criteria: Invitae Variant Classification Sherloc (09022015). Collection method: clinical testing. Allele origin: germline.
Comment: For these reasons, this variant has been classified as Pathogenic. This variant has not been reported in the literature in individuals affected with LMNA-related conditions. This variant is not present in population databases (gnomAD no frequency). This sequence change creates a premature translational stop signal (p.Tyr81Leufs*13) in the LMNA gene. It is expected to result in an absent or disrupted protein product. Loss-of-function variants in LMNA are known to be pathogenic (PMID: 18585512, 18926329).

Literature cited by the submitters: PubMed 18585512; PubMed 18926329.